The following is an entry in ClinVar:

ClinVar aggregate classification (germline): Uncertain significance (1 of 4 stars; one submission).

Conditions:
Cardiovascular phenotype. Identifiers: MedGen CN230736.

Submission:

Ambry Genetics
Classification: Uncertain significance for Cardiovascular phenotype. Last evaluated: 2021-10-11. Review status: criteria provided, single submitter. Criteria: Ambry Variant Classification Scheme 2023. Collection method: clinical testing. Allele origin: germline.
Comment: The p.R1681G variant (also known as c.5041C>G), located in coding exon 11 of the ALPK3 gene, results from a C to G substitution at nucleotide position 5041. The arginine at codon 1681 is replaced by glycine, an amino acid with dissimilar properties. This amino acid position is conserved. In addition, this alteration is predicted to be tolerated by in silico analysis. Since supporting evidence is limited at this time, the clinical significance of this alteration remains unclear.

NM_020778.5(ALPK3):c.4435C>G (p.Arg1479Gly)

Gene: ALPK3 (alpha kinase 3; plus strand). Cytogenetic location: 15q25.3.
Variant type: single nucleotide variant.
Coding change: c.4435C>G on transcript NM_020778.5 (MANE Select); coding-DNA position 4435, C replaced by G.
Protein change: p.Arg1479Gly; replaces arginine 1479 with glycine.
Molecular consequence: missense variant.
Genome position (GRCh38, 1-based): chr15:84,863,576, C>G. VCF-style: chr15-84863576-C-G. GRCh37 (hg19) VCF-style: chr15-85406807-C-G.
Other names: short protein forms R1479G.
Identifiers: ClinVar variation 1744952 (VCV001744952.2), dbSNP rs776415532, ClinGen allele CA393363714.
Genomic context (GRCh38, chr15:84,863,576, plus strand): 5'-TTCTTTGCTCACCACATTTGGTTCCCTCATCCACAGGGGTGCAAGATCCAGAACATGAGT[C>G]GGGAGTACTGCAAAATCTTCGCAGCAGAAGCCCGGGCCGCGCCTGGCTTTGGGGAGGTGC-3'
Protein context (NP_065829.4, residues 1469-1489): IQGCKIQNMS[Arg1479Gly]EYCKIFAAEA